The following is an entry in ClinVar:

NM_000702.4(ATP1A2):c.*682T>C

Gene: ATP1A2 (ATPase Na+/K+ transporting subunit alpha 2; plus strand). Cytogenetic location: 1q23.2.
Variant type: single nucleotide variant.
Coding change: c.*682T>C on transcript NM_000702.4 (MANE Select); 682 bases downstream of the stop codon, T replaced by C.
Molecular consequence: 3 prime UTR variant.
Genome position (GRCh38, 1-based): chr1:160,142,004, T>C. VCF-style: chr1-160142004-T-C. GRCh37 (hg19) VCF-style: chr1-160111794-T-C.
Identifiers: ClinVar variation 293150 (VCV000293150.6), dbSNP rs60949592, ClinGen allele CA10608093.

ClinVar aggregate classification (germline): Benign. Review status: criteria provided, multiple submitters, no conflicts (2 of 4 stars). 3 submissions from 2 submitters: Benign (3). Last evaluated 2018-01-13.

Conditions:
Migraine, familial hemiplegic, 2. Identifiers: Orphanet 569, MedGen C1865322, MONDO:0011232, OMIM 602481.
Alternating hemiplegia of childhood 1 (AHC1). Identifiers: Orphanet 2131, MedGen C3549447, MONDO:0007087, OMIM 104290.

Allele frequency attached by ClinVar (database versions not stated): gnomAD exomes 0.00145; gnomAD 0.02218 and 0.02374; 1000 Genomes Project 0.02516; TOPMed 0.02527; 1000 Genomes Project 30x 0.02608.
gnomAD v4.1: 3,335 of 155,092 alleles (2.2%); highest among the groups gnomAD compares: African/African-American, 7.5%; 127 homozygotes.

Submissions (3):

Illumina Laboratory Services, Illumina
Classification: Benign for Migraine, familial hemiplegic, 2. Last evaluated: 2018-01-13. Review status: criteria provided, single submitter. Criteria: ICSL Variant Classification Criteria 13 December 2019. Collection method: clinical testing. Allele origin: germline.
Comment: This variant was observed in the ICSL laboratory as part of a predisposition screen in an ostensibly healthy population. It had not been previously curated by ICSL or reported in the Human Gene Mutation Database (HGMD: prior to June 1st, 2018), and was therefore a candidate for classification through an automated scoring system. Utilizing variant allele frequency, disease prevalence and penetrance estimates, and inheritance mode, an automated score was calculated to assess if this variant is too frequent to cause the disease. Based on the score and internal cut-off values, a variant classified as benign is not then subjected to further curation. The score for this variant resulted in a classification of benign for this disease.

Illumina Laboratory Services, Illumina
Classification: Benign for Alternating hemiplegia of childhood 1. Last evaluated: 2018-01-13. Review status: criteria provided, single submitter. Criteria: ICSL Variant Classification Criteria 13 December 2019. Collection method: clinical testing. Allele origin: germline.
Comment: the same text as in the submission from Illumina Laboratory Services, Illumina above.

Breakthrough Genomics
Classification: Benign. Review status: criteria provided, single submitter. Criteria: ACMG Guidelines, 2015. Collection method: not provided. Allele origin: germline. Inheritance: Autosomal recessive inheritance. Affected: yes.